The following is an entry in ClinVar:

ClinVar aggregate classification (germline): Pathogenic (1 of 4 stars; one submission).

Conditions:
Deafness-lymphedema-leukemia syndrome. Also called: Emberger syndrome; Lymphedema, primary, with myelodysplasia. Identifiers: Orphanet 3226, MedGen C3279664, MONDO:0013540, OMIM 614038.
GATA2 deficiency with susceptibility to MDS/AML. Identifiers: MedGen CN300066, MONDO:0042982.

Submission:

Molecular Pathology Research Laboratory, SA Pathology
Classification: Pathogenic for GATA2 deficiency with susceptibility to MDS/AML; Deafness-lymphedema-leukemia syndrome. Last evaluated: 2021-07-06. Review status: criteria provided, single submitter. Criteria: ACMG Guidelines, 2015. Collection method: curation. Allele origin: unknown. Inheritance: Autosomal dominant inheritance. Affected: yes. Observed: 1 variant allele.
Comment: PVS1, PS4_Supporting, PM2

Literature cited by the submitters: PubMed 31710708.

NM_032638.5(GATA2):c.1099del (p.Asp367fs)

Gene: GATA2 (GATA binding protein 2; minus strand). Cytogenetic location: 3q21.3.
Variant type: Deletion.
Coding change: c.1099del on transcript NM_032638.5 (MANE Select); coding-DNA position 1099, one base deleted (G; older notation c.1099delG).
Protein change: p.Asp367fs; shifts the reading frame from aspartic acid 367.
Molecular consequence: frameshift variant.
Genome position (GRCh38, 1-based): chr3:128,481,863, C deleted on the plus strand (G on the coding strand, the reverse complement: GATA2 is on the minus strand); the first of 4 consecutive C bases (chr3:128,481,863-128,481,866); deleting any one gives the same sequence. VCF-style (leftmost placement, unchanged base first): chr3-128481862-TC-T. GRCh37 (hg19) VCF-style: chr3-128200705-TC-T.
Other names: c.1099del, p.Asp367fs (NM_001145661.2); c.1057del, p.Asp353fs (NM_001145662.1); short protein forms D353fs, D367fs.
Identifiers: ClinVar variation 1184158 (VCV001184158.1), dbSNP rs2107668647, ClinGen allele CA2499216433.